The following is an entry in ClinVar:

NM_018082.6(POLR3B):c.644A>G (p.Asn215Ser)

Gene: POLR3B (RNA polymerase III subunit B; plus strand). Cytogenetic location: 12q23.3.
Variant type: single nucleotide variant.
Coding change: c.644A>G on transcript NM_018082.6 (MANE Select); coding-DNA position 644, A replaced by G.
Protein change: p.Asn215Ser; replaces asparagine 215 with serine.
Molecular consequence: missense variant.
Genome position (GRCh38, 1-based): chr12:106,380,060, A>G. VCF-style: chr12-106380060-A-G. GRCh37 (hg19) VCF-style: chr12-106773838-A-G.
Other names: c.470A>G, p.Asn157Ser (NM_001160708.2); short protein forms N157S, N215S.
Identifiers: ClinVar variation 2416648 (VCV002416648.5), dbSNP rs1180062151, ClinGen allele CA386386877.

ClinVar aggregate classification (germline): Uncertain significance (1 of 4 stars; one submission).

Allele frequency attached by ClinVar (database versions not stated): gnomAD 0.00001.
gnomAD v4.1: 2 of 1,613,174 alleles (0.00012%); highest among the groups gnomAD compares: Admixed American, 0.0017%; no homozygotes.

Submission:

Labcorp Genetics (formerly Invitae), Labcorp
Classification: Uncertain significance. Last evaluated: 2024-10-24. Review status: criteria provided, single submitter. Criteria: Invitae Variant Classification Sherloc (09022015). Collection method: clinical testing. Allele origin: germline.
Comment: This sequence change replaces asparagine, which is neutral and polar, with serine, which is neutral and polar, at codon 215 of the POLR3B protein (p.Asn215Ser). This variant is present in population databases (no rsID available, gnomAD 0.003%). This variant has not been reported in the literature in individuals affected with POLR3B-related conditions. ClinVar contains an entry for this variant (Variation ID: 2416648). Invitae Evidence Modeling of protein sequence and biophysical properties (such as structural, functional, and spatial information, amino acid conservation, physicochemical variation, residue mobility, and thermodynamic stability) indicates that this missense variant is not expected to disrupt POLR3B protein function with a negative predictive value of 80%. In summary, the available evidence is currently insufficient to determine the role of this variant in disease. Therefore, it has been classified as a Variant of Uncertain Significance.